The following is an entry in ClinVar:

NM_006944.3(SPP2):c.338C>T (p.Thr113Ile)

Gene: SPP2 (secreted phosphoprotein 2; plus strand). Cytogenetic location: 2q37.1.
Variant type: single nucleotide variant.
Coding change: c.338C>T on transcript NM_006944.3 (MANE Select); coding-DNA position 338, C replaced by T.
Protein change: p.Thr113Ile; replaces threonine 113 with isoleucine.
Molecular consequence: missense variant.
Genome position (GRCh38, 1-based): chr2:234,060,373, C>T. VCF-style: chr2-234060373-C-T. GRCh37 (hg19) VCF-style: chr2-234969017-C-T.
Other names: c.338C>T (NM_006944.2); short protein forms T113I.
Identifiers: ClinVar variation 2989854 (VCV002989854.4), dbSNP rs780218526, ClinGen allele CA2183170.

ClinVar aggregate classification (germline): Uncertain significance. Review status: criteria provided, multiple submitters, no conflicts (2 of 4 stars). 2 submissions from 2 submitters: Uncertain significance (2). Last evaluated 2025-11-02.

Allele frequency attached by ClinVar (database versions not stated): gnomAD exomes below 0.00001; ExAC 0.00001; gnomAD 0.00001; TOPMed 0.00001.
gnomAD v4.1: 3 of 1,613,528 alleles (0.00019%); highest among the groups gnomAD compares: African/African-American, 0.0027%; no homozygotes.

Submissions (2):

Ambry Genetics
Classification: Uncertain significance. Last evaluated: 2025-11-02. Review status: criteria provided, single submitter. Criteria: Ambry Variant Classification Scheme 2023. Collection method: clinical testing. Allele origin: germline.

Labcorp Genetics (formerly Invitae), Labcorp
Classification: Uncertain significance. Last evaluated: 2022-11-20. Review status: criteria provided, single submitter. Criteria: Invitae Variant Classification Sherloc (09022015). Collection method: clinical testing. Allele origin: germline.
Comment: In summary, the available evidence is currently insufficient to determine the role of this variant in disease. Therefore, it has been classified as a Variant of Uncertain Significance. Algorithms developed to predict the effect of missense changes on protein structure and function are either unavailable or do not agree on the potential impact of this missense change (SIFT: "Tolerated"; PolyPhen-2: "Possibly Damaging"; Align-GVGD: "Class C0"). This variant has not been reported in the literature in individuals affected with SPP2-related conditions. This variant is present in population databases (rs780218526, gnomAD 0.007%). This sequence change replaces threonine, which is neutral and polar, with isoleucine, which is neutral and non-polar, at codon 113 of the SPP2 protein (p.Thr113Ile).